The following is an entry in ClinVar:

ClinVar aggregate classification (germline): Uncertain significance (1 of 4 stars; one submission).

Conditions:
Tuberous sclerosis 2 (TSC2). Identifiers: Orphanet 805, MedGen C1860707, MONDO:0013199, OMIM 613254.

Submission:

Labcorp Genetics (formerly Invitae), Labcorp
Classification: Uncertain significance for Tuberous sclerosis 2. Last evaluated: 2022-09-13. Review status: criteria provided, single submitter. Criteria: Invitae Variant Classification Sherloc (09022015). Collection method: clinical testing. Allele origin: germline.
Comment: This sequence change replaces leucine, which is neutral and non-polar, with methionine, which is neutral and non-polar, at codon 557 of the TSC2 protein (p.Leu557Met). This variant is not present in population databases (gnomAD no frequency). This variant has not been reported in the literature in individuals affected with TSC2-related conditions. Advanced modeling of protein sequence and biophysical properties (such as structural, functional, and spatial information, amino acid conservation, physicochemical variation, residue mobility, and thermodynamic stability) performed at Invitae indicates that this missense variant is not expected to disrupt TSC2 protein function. In summary, the available evidence is currently insufficient to determine the role of this variant in disease. Therefore, it has been classified as a Variant of Uncertain Significance.

NM_000548.5(TSC2):c.1669T>A (p.Leu557Met)

Gene: TSC2 (TSC complex subunit 2; plus strand). Cytogenetic location: 16p13.3.
Variant type: single nucleotide variant.
Coding change: c.1669T>A on transcript NM_000548.5 (MANE Select); coding-DNA position 1669, T replaced by A.
Protein change: p.Leu557Met; replaces leucine 557 with methionine.
Molecular consequence: missense variant.
Genome position (GRCh38, 1-based): chr16:2,065,588, T>A. VCF-style: chr16-2065588-T-A. GRCh37 (hg19) VCF-style: chr16-2115589-T-A.
Other names: c.1669T>A, p.Leu557Met (NM_001077183.3, NM_001114382.3, NM_001363528.2 and 6 more transcripts); c.1558T>A, p.Leu520Met (NM_001318827.2, NM_001406678.1, NM_001406670.1); c.1522T>A, p.Leu508Met (NM_001318829.2, NM_001406676.1, NM_001406679.1 and 1 more transcripts); c.1069T>A, p.Leu357Met (NM_001318831.2, NM_001406680.1, NM_001406682.1 and 6 more transcripts); c.1702T>A, p.Leu568Met (NM_001318832.2); c.1612T>A, p.Leu538Met (NM_001406677.1); c.1207T>A, p.Leu403Met (NM_001406681.1); c.325T>A, p.Leu109Met (NM_001406695.1, NM_001406696.1, NM_001406697.1 and 6 more transcripts); and 3 more; short protein forms L403M, L508M, L520M, L538M, L553M, L557M, L568M, L587M.
Identifiers: ClinVar variation 1719288 (VCV001719288.5), dbSNP rs2151209140, ClinGen allele CA394269897.